The following is an entry in ClinVar:

ClinVar aggregate classification (germline): Uncertain significance (1 of 4 stars; one submission).

Conditions:
Familial cold autoinflammatory syndrome 3 (FCAS3). Also called: FAMILIAL ATYPICAL COLD URTICARIA; ANTIBODY DEFICIENCY AND IMMUNE DYSREGULATION, PLCG2-ASSOCIATED. Identifiers: Orphanet 300359, MedGen C3280914, MONDO:0013766, OMIM 614468.

Allele frequency attached by ClinVar (database versions not stated): gnomAD exomes 0.00001.
gnomAD v4.1: 11 of 1,609,254 alleles (0.00068%); highest among the groups gnomAD compares: African/African-American, 0.0013%; no homozygotes.

Submission:

Labcorp Genetics (formerly Invitae), Labcorp
Classification: Uncertain significance for Familial cold autoinflammatory syndrome 3. Last evaluated: 2022-06-27. Review status: criteria provided, single submitter. Criteria: Invitae Variant Classification Sherloc (09022015). Collection method: clinical testing. Allele origin: germline.
Comment: In summary, the available evidence is currently insufficient to determine the role of this variant in disease. Therefore, it has been classified as a Variant of Uncertain Significance. Algorithms developed to predict the effect of missense changes on protein structure and function are either unavailable or do not agree on the potential impact of this missense change (SIFT: "Deleterious"; PolyPhen-2: "Possibly Damaging"; Align-GVGD: "Class C0"). This variant has not been reported in the literature in individuals affected with PLCG2-related conditions. This variant is not present in population databases (gnomAD no frequency). This sequence change replaces isoleucine, which is neutral and non-polar, with methionine, which is neutral and non-polar, at codon 852 of the PLCG2 protein (p.Ile852Met).

NM_002661.5(PLCG2):c.2556A>G (p.Ile852Met)

Gene: PLCG2 (phospholipase C gamma 2; plus strand). Cytogenetic location: 16q23.3.
Variant type: single nucleotide variant.
Coding change: c.2556A>G on transcript NM_002661.5 (MANE Select); coding-DNA position 2556, A replaced by G.
Protein change: p.Ile852Met; replaces isoleucine 852 with methionine.
Molecular consequence: missense variant.
Genome position (GRCh38, 1-based): chr16:81,928,599, A>G. VCF-style: chr16-81928599-A-G. GRCh37 (hg19) VCF-style: chr16-81962204-A-G.
Other names: short protein forms I852M.
Identifiers: ClinVar variation 1412769 (VCV001412769.6), dbSNP rs1910374666, ClinGen allele CA396903028.
Genomic context (GRCh38, chr16:81,928,599, plus strand): 5'-ATGTCTTGTTTCTTCACAGATTATTGAAGACAATCCCTTAGGGTCTCTTTGCAGAGGAAT[A>G]TTGGACCTCAATACCTATAACGTCGGTACGTGCACACATCATCTTAGCCTGGATTTCCAC-3'
Protein context (NP_002652.2, residues 842-862): DNPLGSLCRG[Ile852Met]LDLNTYNVVK